The following is an entry in ClinVar:

ClinVar aggregate classification (germline): Uncertain significance. Review status: reviewed by expert panel (3 of 4 stars). 6 submissions from 6 submitters: Uncertain significance (1). 5 of the submissions do not count toward it. Last evaluated 2025-12-31.

Conditions:
Glycogen storage disease, type II (IOPD). Also called: POMPE DISEASE, INFANTILE-ONSET; GLYCOGEN STORAGE DISEASE II, INFANTILE-ONSET; ACID ALPHA-GLUCOSIDASE DEFICIENCY, INFANTILE-ONSET; GAA DEFICIENCY, INFANTILE-ONSET; ACID MALTASE DEFICIENCY, INFANTILE-ONSET; CARDIOMEGALIA GLYCOGENICA DIFFUSA. Identifiers: Orphanet 365, MedGen C0017921, MONDO:0009290, OMIM 232300.

Allele frequency attached by ClinVar (database versions not stated): gnomAD exomes 0.00001 and 0.00002; TOPMed 0.00006; ESP Exome Variant Server 0.00008; gnomAD 0.00004 and 0.00005; ExAC 0.00001.
gnomAD v4.1: 24 of 1,613,020 alleles (0.0015%); highest among the groups gnomAD compares: African/African-American, 0.011%; no homozygotes.

Submissions (6):

ClinGen Lysosomal Storage Disorder Variant Curation Expert Panel
Classification: Uncertain significance for Glycogen storage disease, type II. Last evaluated: 2025-12-31. Review status: reviewed by expert panel. Criteria: clingen_lsd_acmg_specifications_v2-1. Collection method: curation. Allele origin: germline. Inheritance: Autosomal recessive inheritance.
Comment: The NM_000152.5:c.1409A>C variant in GAA is a missense variant predicted to cause substitution of Asn by Thr at amino acid 470 (p.Asn470Thr). The highest population minor allele frequency in gnomAD v4.1.0 is 0.00011 (8/74918 alleles) in the African/African-American population, which is lower than the ClinGen Lysosomal Diseases VCEP’s threshold for PM2_Supporting (<0.001), meeting this criterion (PM2_Supporting). The computational predictor REVEL gives a score of 0.468 which is below the threshold of 0.5, evidence that does not predict a damaging effect on GAA function (BP4). It has been reported in two cases identified as affected by newborn screening (PMID 23430949, 37087815) and 1 patient with limb–girdle muscular weakness (PMID 39678382). There is insufficient data to apply PP4. There is a ClinVar entry for this variant (Variation ID: 526525, 3 star review status) with 4 submitters classifying the variant as Uncertain significance and 1 submitter classifying it as Likely Pathogenic. In summary, this variant meets the criteria to be classified as a variant of uncertain significance for Pompe disease based on the GAA-specific ACMG/AMP criteria applied, as specified by the ClinGen Lysosomal Diseases Variant Curation Expert Panel (specifications Version 2..0.0): PM2_supporting, BP4. (Classification approved by the ClinGen Lysosomal Diseases Variant Curation Expert Panel on December 31, 2025).

Genomenon, Inc
Classification: Uncertain significance for Glycogen storage disease, type II. Last evaluated: 2026-07-01. Review status: criteria provided, single submitter. Criteria: Genomenon Sequence Variant Interpretation Standards - Updated. Collection method: curation. Allele origin: germline. Not counted in ClinVar's aggregate classification.
Comment: GAA p.Asn470Thr (c.1409A>C) is a missense variant that changes the amino acid at codon 470 from Asparagine to Threonine. This variant has been reported in the published literature (PMID:37087815;23430949). It is absent or not present at a significant frequency in gnomAD. In silico models predict that this variant is not damaging. In conclusion, we classify GAA p.Asn470Thr (c.1409A>C) as a variant of uncertain significance.

Baylor Genetics
Classification: Likely pathogenic for Glycogen storage disease, type II. Last evaluated: 2023-12-20. Review status: criteria provided, single submitter. Criteria: ACMG Guidelines, 2015. Collection method: clinical testing. Allele origin: unknown. Not counted in ClinVar's aggregate classification.

Revvity Omics, Revvity
Classification: Uncertain significance. Last evaluated: 2023-10-26. Review status: criteria provided, single submitter. Criteria: ACMG Guidelines, 2015. Collection method: clinical testing. Allele origin: germline. Not counted in ClinVar's aggregate classification.

Labcorp Genetics (formerly Invitae), Labcorp
Classification: Uncertain significance for Glycogen storage disease, type II. Last evaluated: 2022-09-01. Review status: criteria provided, single submitter. Criteria: Invitae Variant Classification Sherloc (09022015). Collection method: clinical testing. Allele origin: germline. Not counted in ClinVar's aggregate classification.
Comment: This sequence change replaces asparagine, which is neutral and polar, with threonine, which is neutral and polar, at codon 470 of the GAA protein (p.Asn470Thr). The frequency data for this variant in the population databases is considered unreliable, as metrics indicate poor data quality at this position in the gnomAD database. This missense change has been observed in individual(s) with Pompe disease (PMID: 23430949). ClinVar contains an entry for this variant (Variation ID: 526525). Advanced modeling of protein sequence and biophysical properties (such as structural, functional, and spatial information, amino acid conservation, physicochemical variation, residue mobility, and thermodynamic stability) performed at Invitae indicates that this missense variant is not expected to disrupt GAA protein function. In summary, the available evidence is currently insufficient to determine the role of this variant in disease. Therefore, it has been classified as a Variant of Uncertain Significance.

Fulgent Genetics
Classification: Uncertain significance for Glycogen storage disease, type II. Last evaluated: 2021-09-13. Review status: criteria provided, single submitter. Criteria: ACMG Guidelines, 2015. Collection method: clinical testing. Allele origin: unknown. Not counted in ClinVar's aggregate classification.

Literature cited by the submitters: PubMed 37087815 (cited by Genomenon, Inc); PubMed 23430949 (cited by Genomenon, Inc and Labcorp Genetics (formerly Invitae), Labcorp).

NM_000152.5(GAA):c.1409A>C (p.Asn470Thr)

Gene: GAA (alpha glucosidase; plus strand). Cytogenetic location: 17q25.3.
Variant type: single nucleotide variant.
Coding change: c.1409A>C on transcript NM_000152.5 (MANE Select); coding-DNA position 1409, A replaced by C.
Protein change: p.Asn470Thr; replaces asparagine 470 with threonine.
Molecular consequence: missense variant.
Genome position (GRCh38, 1-based): chr17:80,110,027, A>C. VCF-style: chr17-80110027-A-C. GRCh37 (hg19) VCF-style: chr17-78083826-A-C.
Other names: NM_000152.5(GAA):c.1409A>C; p.Asn470Thr; c.1409A>C (LRG_673t1); c.1409A>C, p.Asn470Thr (NM_001079803.3, NM_001079804.3); short protein forms N470T.
Identifiers: ClinVar variation 526525 (VCV000526525.12), dbSNP rs144155165, ClinGen allele CA8815309.